The following is an entry in ClinVar:

NM_002900.3(RBP3):c.257G>A (p.Arg86His)

Gene: RBP3 (retinol binding protein 3; plus strand). Cytogenetic location: 10q11.22.
Variant type: single nucleotide variant.
Coding change: c.257G>A on transcript NM_002900.3 (MANE Select); coding-DNA position 257, G replaced by A.
Protein change: p.Arg86His; replaces arginine 86 with histidine.
Molecular consequence: missense variant.
Genome position (GRCh38, 1-based): chr10:47,348,741, G>A. VCF-style: chr10-47348741-G-A. GRCh37 (hg19) VCF-style: chr10-48390621-C-T.
Other names: short protein forms R86H.
Identifiers: ClinVar variation 1525353 (VCV001525353.5), dbSNP rs148230448, ClinGen allele CA5487831.

ClinVar aggregate classification (germline): Uncertain significance. Review status: criteria provided, multiple submitters, no conflicts (2 of 4 stars). 2 submissions from 2 submitters: Uncertain significance (2). Last evaluated 2025-05-29.

Allele frequency attached by ClinVar (database versions not stated): ExAC 0.00001; gnomAD 0.00001; gnomAD exomes 0.00002; TOPMed 0.00002; ESP Exome Variant Server 0.00008.
gnomAD v4.1: 30 of 1,613,420 alleles (0.0019%); highest among the groups gnomAD compares: African/African-American, 0.0027%; no homozygotes.

Submissions (2):

Labcorp Genetics (formerly Invitae), Labcorp
Classification: Uncertain significance. Last evaluated: 2025-05-29. Review status: criteria provided, single submitter. Criteria: Invitae Variant Classification Sherloc (09022015). Collection method: clinical testing. Allele origin: germline.
Comment: This sequence change replaces arginine, which is basic and polar, with histidine, which is basic and polar, at codon 86 of the RBP3 protein (p.Arg86His). This variant is present in population databases (rs148230448, gnomAD 0.004%). This variant has not been reported in the literature in individuals affected with RBP3-related conditions. ClinVar contains an entry for this variant (Variation ID: 1525353). Invitae Evidence Modeling of protein sequence and biophysical properties (such as structural, functional, and spatial information, amino acid conservation, physicochemical variation, residue mobility, and thermodynamic stability) has been performed for this missense variant. However, the output from this modeling did not meet the statistical confidence thresholds required to predict the impact of this variant on RBP3 protein function. In summary, the available evidence is currently insufficient to determine the role of this variant in disease. Therefore, it has been classified as a Variant of Uncertain Significance.

Blueprint Genetics
Classification: Uncertain significance. Last evaluated: 2024-04-18. Review status: criteria provided, single submitter. Criteria: ACMG Guidelines, 2015. Collection method: clinical testing. Allele origin: germline.